The following is an entry in ClinVar:

ClinVar aggregate classification (germline): Uncertain significance (1 of 4 stars; one submission).

Conditions:
RASopathy. Also called: rasopathies; Noonan spectrum disorder. Identifiers: Orphanet 536391, MedGen C5555857, MONDO:0021060.

gnomAD v4.1: 3 of 1,613,880 alleles (0.00019%); highest among the groups gnomAD compares: Non-Finnish European, 0.00025%; no homozygotes.

Submission:

Labcorp Genetics (formerly Invitae), Labcorp
Classification: Uncertain significance for RASopathy. Last evaluated: 2024-04-25. Review status: criteria provided, single submitter. Criteria: Invitae Variant Classification Sherloc (09022015). Collection method: clinical testing. Allele origin: germline.
Comment: This sequence change replaces alanine, which is neutral and non-polar, with valine, which is neutral and non-polar, at codon 447 of the CBL protein (p.Ala447Val). This variant is not present in population databases (gnomAD no frequency). This variant has not been reported in the literature in individuals affected with CBL-related conditions. Advanced modeling of protein sequence and biophysical properties (such as structural, functional, and spatial information, amino acid conservation, physicochemical variation, residue mobility, and thermodynamic stability) performed at Invitae indicates that this missense variant is not expected to disrupt CBL protein function with a negative predictive value of 95%. In summary, the available evidence is currently insufficient to determine the role of this variant in disease. Therefore, it has been classified as a Variant of Uncertain Significance.

NM_005188.4(CBL):c.1340C>T (p.Ala447Val)

Gene: CBL (Cbl proto-oncogene; plus strand). Cytogenetic location: 11q23.3.
Variant type: single nucleotide variant.
Coding change: c.1340C>T on transcript NM_005188.4 (MANE Select); coding-DNA position 1340, C replaced by T.
Protein change: p.Ala447Val; replaces alanine 447 with valine.
Molecular consequence: missense variant.
Genome position (GRCh38, 1-based): chr11:119,278,622, C>T. VCF-style: chr11-119278622-C-T. GRCh37 (hg19) VCF-style: chr11-119149332-C-T.
Other names: short protein forms A447V.
Identifiers: ClinVar variation 3634390 (VCV003634390.2).